The following is an entry in ClinVar:

NM_000428.3(LTBP2):c.14C>T (p.Thr5Ile)

Gene: LTBP2 (latent transforming growth factor beta binding protein 2; minus strand). Cytogenetic location: 14q24.3.
Variant type: single nucleotide variant.
Coding change: c.14C>T on transcript NM_000428.3 (MANE Select); coding-DNA position 14, C replaced by T.
Protein change: p.Thr5Ile; replaces threonine 5 with isoleucine.
Molecular consequence: missense variant.
Genome position (GRCh38, 1-based): chr14:74,611,931, G>A on the plus strand (C>T on the coding strand, the complement: LTBP2 is on the minus strand). VCF-style: chr14-74611931-G-A. GRCh37 (hg19) VCF-style: chr14-75078634-G-A.
Other names: short protein forms T5I.
Identifiers: ClinVar variation 1921691 (VCV001921691.6), dbSNP rs748853771, ClinGen allele CA7270280.

ClinVar aggregate classification (germline): Uncertain significance. Review status: criteria provided, multiple submitters, no conflicts (2 of 4 stars). 2 submissions from 2 submitters: Uncertain significance (2). Last evaluated 2025-08-26.

Conditions:
Inborn genetic diseases. Identifiers: MedGen C0950123, MeSH D030342.

Allele frequency attached by ClinVar (database versions not stated): gnomAD 0.00001; TOPMed 0.00001; ExAC 0.00003.
gnomAD v4.1: 16 of 1,583,172 alleles (0.001%); highest among the groups gnomAD compares: Middle Eastern, 0.04%; no homozygotes.

Submissions (2):

Ambry Genetics
Classification: Uncertain significance for Inborn genetic diseases. Last evaluated: 2025-08-26. Review status: criteria provided, single submitter. Criteria: Ambry Variant Classification Scheme 2023. Collection method: clinical testing. Allele origin: germline.

Labcorp Genetics (formerly Invitae), Labcorp
Classification: Uncertain significance. Last evaluated: 2022-03-07. Review status: criteria provided, single submitter. Criteria: Invitae Variant Classification Sherloc (09022015). Collection method: clinical testing. Allele origin: germline.
Comment: This sequence change replaces threonine, which is neutral and polar, with isoleucine, which is neutral and non-polar, at codon 5 of the LTBP2 protein (p.Thr5Ile). This variant is present in population databases (rs748853771, gnomAD 0.005%). This variant has not been reported in the literature in individuals affected with LTBP2-related conditions. Algorithms developed to predict the effect of missense changes on protein structure and function are either unavailable or do not agree on the potential impact of this missense change (SIFT: "Deleterious"; PolyPhen-2: "Benign"; Align-GVGD: "Class C65"). In summary, the available evidence is currently insufficient to determine the role of this variant in disease. Therefore, it has been classified as a Variant of Uncertain Significance.